The following is an entry in ClinVar:

ClinVar aggregate classification (germline): Uncertain significance. Review status: criteria provided, multiple submitters, no conflicts (2 of 4 stars). 2 submissions from 2 submitters: Uncertain significance (2). Last evaluated 2022-11-01.

Conditions:
Noonan syndrome 8 (NS8). Identifiers: Orphanet 648, MedGen C3809233, MONDO:0014143, OMIM 615355.

Allele frequency attached by ClinVar (database versions not stated): gnomAD exomes below 0.00001; TOPMed below 0.00001.
gnomAD v4.1: 1 of 1,614,084 alleles (0.000062%); highest among the groups gnomAD compares: Admixed American, 0.0017%; no homozygotes.

Submissions (2):

Labcorp Genetics (formerly Invitae), Labcorp
Classification: Uncertain significance for Noonan syndrome 8. Last evaluated: 2022-11-01. Review status: criteria provided, single submitter. Criteria: Invitae Variant Classification Sherloc (09022015). Collection method: clinical testing. Allele origin: germline.
Comment: This variant has not been reported in the literature in individuals affected with RIT1-related conditions. In summary, the available evidence is currently insufficient to determine the role of this variant in disease. Therefore, it has been classified as a Variant of Uncertain Significance. Advanced modeling of protein sequence and biophysical properties (such as structural, functional, and spatial information, amino acid conservation, physicochemical variation, residue mobility, and thermodynamic stability) performed at Invitae indicates that this missense variant is not expected to disrupt RIT1 protein function. ClinVar contains an entry for this variant (Variation ID: 280824). This variant is present in population databases (no rsID available, gnomAD 0.003%). This sequence change replaces isoleucine, which is neutral and non-polar, with valine, which is neutral and non-polar, at codon 102 of the RIT1 protein (p.Ile102Val).

GeneDx
Classification: Uncertain significance. Last evaluated: 2016-09-08. Review status: criteria provided, single submitter. Criteria: GeneDx Variant Classification (06012015). Collection method: clinical testing. Allele origin: germline. Affected: yes.
Comment: The I102V variant in the RIT1 gene has been previously reported as a somatic variant in malignant melanoma but has not been reported in the germline (Krauthammer et al., 2015). The I102V variant was not observed in approximately 6500 individuals of European and African American ancestry in the NHLBI Exome Sequencing Project, indicating it is not a common benign variant in these populations. The I102V variant is a conservative amino acid substitution, which is not likely to impact secondary protein structure as these residues share similar properties. However, this substitution occurs at a position that is conserved across species. In silico analysis is inconsistent in its predictions as to whether or not the variant is damaging to the protein structure/function. We interpret I102V as a variant of uncertain significance.

NM_006912.6(RIT1):c.304A>G (p.Ile102Val)

Gene: RIT1 (Ras like without CAAX 1; minus strand). Cytogenetic location: 1q22.
Variant type: single nucleotide variant.
Coding change: c.304A>G on transcript NM_006912.6 (MANE Select); coding-DNA position 304, A replaced by G.
Protein change: p.Ile102Val; replaces isoleucine 102 with valine.
Molecular consequence: missense variant.
Genome position (GRCh38, 1-based): chr1:155,904,436, T>C on the plus strand (A>G on the coding strand, the complement: RIT1 is on the minus strand). VCF-style: chr1-155904436-T-C. GRCh37 (hg19) VCF-style: chr1-155874227-T-C.
Other names: c.304A>G, p.Ile102Val (LRG_1372t1); c.196A>G, p.Ile66Val (NM_001256820.2); c.355A>G, p.Ile119Val (NM_001256821.2); short protein forms I102V, I119V, I66V.
Identifiers: ClinVar variation 280824 (VCV000280824.5), dbSNP rs886041962, ClinGen allele CA10602739.